The following is an entry in ClinVar:

ClinVar aggregate classification (germline): Uncertain significance (1 of 4 stars; one submission).

Conditions:
Wilms tumor 1 (WT1). Also called: Wilms tumor, somatic. Identifiers: Orphanet 654, MedGen CN033288, MONDO:0008679, OMIM 194070.

Submission:

Labcorp Genetics (formerly Invitae), Labcorp
Classification: Uncertain significance for Wilms tumor 1. Last evaluated: 2022-07-19. Review status: criteria provided, single submitter. Criteria: Invitae Variant Classification Sherloc (09022015). Collection method: clinical testing. Allele origin: germline.
Comment: In summary, the available evidence is currently insufficient to determine the role of this variant in disease. Therefore, it has been classified as a Variant of Uncertain Significance. Variants that disrupt the consensus splice site are a relatively common cause of aberrant splicing (PMID: 17576681, 9536098). Algorithms developed to predict the effect of sequence changes on RNA splicing suggest that this variant may disrupt the consensus splice site. ClinVar contains an entry for this variant (Variation ID: 1525883). This variant has not been reported in the literature in individuals affected with GPC3-related conditions. This variant is not present in population databases (gnomAD no frequency). This sequence change falls in intron 3 of the GPC3 gene. It does not directly change the encoded amino acid sequence of the GPC3 protein. It affects a nucleotide within the consensus splice site.

Literature cited by the submitters: PubMed 17576681; PubMed 9536098.

NM_004484.4(GPC3):c.1032+4A>G

Gene: GPC3 (glypican 3; minus strand). Cytogenetic location: Xq26.2.
Variant type: single nucleotide variant.
Coding change: c.1032+4A>G on transcript NM_004484.4 (MANE Select); 4 bases into the intron after coding-DNA position 1032, A replaced by G.
Molecular consequence: intron variant.
Genome position (GRCh38, 1-based): chrX:133,753,478, T>C on the plus strand (A>G on the coding strand, the complement: GPC3 is on the minus strand). VCF-style: chrX-133753478-T-C. GRCh37 (hg19) VCF-style: chrX-132887505-T-C.
Other names: c.870+4A>G (NM_001164619.2); c.984+4A>G (NM_001164618.2); c.1032+4A>G (NM_001164617.2).
Identifiers: ClinVar variation 1525883 (VCV001525883.6), dbSNP rs2124479692, ClinGen allele CA2573159276.